The following is an entry in ClinVar:

ClinVar aggregate classification (germline): Uncertain significance (1 of 4 stars; one submission).

gnomAD v4.1: 86 of 1,614,118 alleles (0.0053%); highest among the groups gnomAD compares: Non-Finnish European, 0.0072%; no homozygotes.

Submission:

Labcorp Genetics (formerly Invitae), Labcorp
Classification: Uncertain significance. Last evaluated: 2025-11-25. Review status: criteria provided, single submitter. Criteria: Invitae Variant Classification Sherloc (09022015). Collection method: clinical testing. Allele origin: germline.
Comment: This sequence change replaces methionine, which is neutral and non-polar, with threonine, which is neutral and polar, at codon 293 of the ACOX2 protein (p.Met293Thr). This variant is present in population databases (rs370811753, gnomAD 0.005%). This variant has not been reported in the literature in individuals affected with ACOX2-related conditions. Invitae Evidence Modeling of protein sequence and biophysical properties (such as structural, functional, and spatial information, amino acid conservation, physicochemical variation, residue mobility, and thermodynamic stability) indicates that this missense variant is expected to disrupt ACOX2 protein function with a positive predictive value of 80%. In summary, the available evidence is currently insufficient to determine the role of this variant in disease. Therefore, it has been classified as a Variant of Uncertain Significance.

NM_003500.4(ACOX2):c.878T>C (p.Met293Thr)

Gene: ACOX2 (acyl-CoA oxidase 2; minus strand). Cytogenetic location: 3p14.3.
Variant type: single nucleotide variant.
Coding change: c.878T>C on transcript NM_003500.4 (MANE Select); coding-DNA position 878, T replaced by C.
Protein change: p.Met293Thr; replaces methionine 293 with threonine.
Molecular consequence: missense variant.
Genome position (GRCh38, 1-based): chr3:58,530,580, A>G on the plus strand (T>C on the coding strand, the complement: ACOX2 is on the minus strand). VCF-style: chr3-58530580-A-G. GRCh37 (hg19) VCF-style: chr3-58516307-A-G.
Other names: short protein forms M293T.
Identifiers: ClinVar variation 4704921 (VCV004704921.1).